The following is an entry in ClinVar:

NM_001378183.1(PIEZO2):c.3355A>G (p.Ile1119Val)

Gene: PIEZO2 (piezo type mechanosensitive ion channel component 2; minus strand). Cytogenetic location: 18p11.22.
Variant type: single nucleotide variant.
Coding change: c.3355A>G on transcript NM_001378183.1 (MANE Select); coding-DNA position 3355, A replaced by G.
Protein change: p.Ile1119Val; replaces isoleucine 1119 with valine.
Molecular consequence: missense variant.
Genome position (GRCh38, 1-based): chr18:10,761,006, T>C on the plus strand (A>G on the coding strand, the complement: PIEZO2 is on the minus strand). VCF-style: chr18-10761006-T-C. GRCh37 (hg19) VCF-style: chr18-10761004-T-C.
Other names: c.3355A>G, p.Ile1119Val (NM_001410871.1); c.3280A>G, p.Ile1094Val (NM_022068.4); short protein forms I1094V, I1119V.
Identifiers: ClinVar variation 1717133 (VCV001717133.5), dbSNP rs2510655041, ClinGen allele CA401923267.

ClinVar aggregate classification (germline): Uncertain significance (1 of 4 stars; one submission).

Submission:

Labcorp Genetics (formerly Invitae), Labcorp
Classification: Uncertain significance. Last evaluated: 2024-08-19. Review status: criteria provided, single submitter. Criteria: Invitae Variant Classification Sherloc (09022015). Collection method: clinical testing. Allele origin: germline.
Comment: This sequence change replaces isoleucine, which is neutral and non-polar, with valine, which is neutral and non-polar, at codon 1094 of the PIEZO2 protein (p.Ile1094Val). This variant is not present in population databases (gnomAD no frequency). This variant has not been reported in the literature in individuals affected with PIEZO2-related conditions. ClinVar contains an entry for this variant (Variation ID: 1717133). Invitae Evidence Modeling of protein sequence and biophysical properties (such as structural, functional, and spatial information, amino acid conservation, physicochemical variation, residue mobility, and thermodynamic stability) indicates that this missense variant is not expected to disrupt PIEZO2 protein function with a negative predictive value of 80%. In summary, the available evidence is currently insufficient to determine the role of this variant in disease. Therefore, it has been classified as a Variant of Uncertain Significance.